The following is an entry in ClinVar:

ClinVar aggregate classification (germline): Uncertain significance. Review status: criteria provided, multiple submitters, no conflicts (2 of 4 stars). 3 submissions from 3 submitters: Uncertain significance (2). 1 of the submissions does not count toward it. Last evaluated 2022-07-05.

Conditions:
Inborn genetic diseases. Identifiers: MedGen C0950123, MeSH D030342.
Glycine encephalopathy. Also called: Non-ketotic hyperglycinemia; Nonketotic hyperglycinemia. Identifiers: Orphanet 407, MedGen C0751748, MONDO:0011612, HP:0008288.

Allele frequency attached by ClinVar (database versions not stated): gnomAD exomes 0.00001 and 0.00004; ExAC 0.00002; gnomAD 0.00002; TOPMed 0.00002; ESP Exome Variant Server 0.00008.
gnomAD v4.1: 71 of 1,613,882 alleles (0.0044%); highest among the groups gnomAD compares: Non-Finnish European, 0.0053%; no homozygotes.

Submissions (3):

Labcorp Genetics (formerly Invitae), Labcorp
Classification: Uncertain significance for Glycine encephalopathy. Last evaluated: 2022-07-05. Review status: criteria provided, single submitter. Criteria: Invitae Variant Classification Sherloc (09022015). Collection method: clinical testing. Allele origin: germline.
Comment: This sequence change replaces arginine, which is basic and polar, with cysteine, which is neutral and slightly polar, at codon 34 of the AMT protein (p.Arg34Cys). This variant is present in population databases (rs143389339, gnomAD 0.002%). This variant has not been reported in the literature in individuals affected with AMT-related conditions. ClinVar contains an entry for this variant (Variation ID: 581326). Algorithms developed to predict the effect of missense changes on protein structure and function are either unavailable or do not agree on the potential impact of this missense change (SIFT: "Deleterious"; PolyPhen-2: "Possibly Damaging"; Align-GVGD: "Class C0"). In summary, the available evidence is currently insufficient to determine the role of this variant in disease. Therefore, it has been classified as a Variant of Uncertain Significance.

Ambry Genetics
Classification: Uncertain significance for Inborn genetic diseases. Last evaluated: 2021-07-19. Review status: criteria provided, single submitter. Criteria: Ambry Variant Classification Scheme 2023. Collection method: clinical testing. Allele origin: germline.

Natera, Inc.
Classification: Uncertain significance for Non-ketotic hyperglycinemia. Last evaluated: 2019-10-28. Review status: no assertion criteria provided. Collection method: clinical testing. Allele origin: germline. Not counted in ClinVar's aggregate classification.

NM_000481.4(AMT):c.100C>T (p.Arg34Cys)

Gene: AMT (aminomethyltransferase; minus strand). Cytogenetic location: 3p21.31.
Variant type: single nucleotide variant.
Coding change: c.100C>T on transcript NM_000481.4 (MANE Select); coding-DNA position 100, C replaced by T.
Protein change: p.Arg34Cys; replaces arginine 34 with cysteine.
Molecular consequence: missense variant. On other transcripts: intron variant (1).
Genome position (GRCh38, 1-based): chr3:49,422,262, G>A on the plus strand (C>T on the coding strand, the complement: AMT is on the minus strand). VCF-style: chr3-49422262-G-A. GRCh37 (hg19) VCF-style: chr3-49459695-G-A.
Other names: c.100C>T, p.Arg34Cys (NM_001164710.2, NM_001164712.2); c.90+99C>T (NM_001164711.2); short protein forms R34C.
Identifiers: ClinVar variation 581326 (VCV000581326.13), dbSNP rs143389339, ClinGen allele CA2398473.